The following is an entry in ClinVar:

NM_001292034.3(TAB2):c.664C>T (p.Pro222Ser)

Genes: TAB2 (TGF-beta activated kinase 1 (MAP3K7) binding protein 2; plus strand), LOC126859827 (BRD4-independent group 4 enhancer GRCh37_chr6:149699707-149700906; plus strand). Cytogenetic location: 6q25.1.
Variant type: single nucleotide variant.
Coding change: c.664C>T on transcript NM_001292034.3 (MANE Select); coding-DNA position 664, C replaced by T.
Protein change: p.Pro222Ser; replaces proline 222 with serine.
Molecular consequence: missense variant.
Genome position (GRCh38, 1-based): chr6:149,378,579, C>T. VCF-style: chr6-149378579-C-T. GRCh37 (hg19) VCF-style: chr6-149699715-C-T.
Other names: c.568C>T, p.Pro190Ser (NM_001292035.3); c.664C>T, p.Pro222Ser (NM_001369506.1, NM_015093.6); short protein forms P190S, P222S.
Identifiers: ClinVar variation 3769729 (VCV003769729.2).

ClinVar aggregate classification (germline): Uncertain significance (1 of 4 stars; one submission).

gnomAD v4.1: 2 of 1,613,852 alleles (0.00012%); highest among the groups gnomAD compares: Non-Finnish European, 0.00017%; no homozygotes.

Submission:

GeneDx
Classification: Uncertain significance. Last evaluated: 2026-01-17. Review status: criteria provided, single submitter. Criteria: GeneDx Variant Classification Process June 2021. Collection method: clinical testing. Allele origin: germline.
Comment: Not observed at significant frequency in large population cohorts (gnomAD); In silico analysis suggests that this missense variant does not alter protein structure/function; Has not been previously published as pathogenic or benign to our knowledge